The following is an entry in ClinVar:

ClinVar aggregate classification (germline): Benign. Review status: criteria provided, multiple submitters, no conflicts (2 of 4 stars). 2 submissions from 2 submitters: Benign (2). Last evaluated 2018-06-14.

Allele frequency attached by ClinVar (database versions not stated): gnomAD 0.13082 and 0.13350; TOPMed 0.14623; 1000 Genomes Project 30x 0.15553; 1000 Genomes Project 0.15635.
gnomAD v4.1: 61,848 of 1,454,120 alleles (4.3%); highest among the groups gnomAD compares: African/African-American, 25%; 4,871 homozygotes.

Submissions (2):

GeneDx
Classification: Benign. Last evaluated: 2018-06-14. Review status: criteria provided, single submitter. Criteria: GeneDx Variant Classification (06012015). Collection method: clinical testing. Allele origin: germline. Affected: yes.
Comment: This variant is considered likely benign or benign based on one or more of the following criteria: it is a conservative change, it occurs at a poorly conserved position in the protein, it is predicted to be benign by multiple in silico algorithms, and/or has population frequency not consistent with disease.

Breakthrough Genomics
Classification: Benign. Review status: criteria provided, single submitter. Criteria: ACMG Guidelines, 2015. Collection method: not provided. Allele origin: germline. Inheritance: Autosomal recessive inheritance. Affected: yes.

NM_001985.3(ETFB):c.217-60G>A

Gene: ETFB (electron transfer flavoprotein subunit beta; minus strand). Cytogenetic location: 19q13.41.
Variant type: single nucleotide variant.
Coding change: c.217-60G>A on transcript NM_001985.3 (MANE Select); 60 bases into the intron before coding-DNA position 217, G replaced by A.
Molecular consequence: intron variant.
Genome position (GRCh38, 1-based): chr19:51,353,350, C>T on the plus strand (G>A on the coding strand, the complement: ETFB is on the minus strand). VCF-style: chr19-51353350-C-T. GRCh37 (hg19) VCF-style: chr19-51856604-C-T.
Other names: c.490-60G>A (NM_001014763.1).
Identifiers: ClinVar variation 676242 (VCV000676242.2), dbSNP rs111522316, ClinGen allele CA309737315.
Genomic context (GRCh38, chr19:51,353,350, plus strand): 5'-CCTGCCAAGGACAGAGGGGCTTGACTTGGCTGCTATCCTCAGGGGGACCTAGGAGTCTGG[C>T]TCGCAGCCCCTCCTTCCTCAGACCCAGGAGTCCAGGGCCCCATCCCCTCCTTCCTCAGAC-3'